The following is an entry in ClinVar:

NM_001252024.2(TRPM1):c.2849G>A (p.Arg950Gln)

Genes: TRPM1-AS1 (TRPM1 antisense RNA 1; plus strand), TRPM1 (transient receptor potential cation channel subfamily M member 1; minus strand). Cytogenetic location: 15q13.3.
Variant type: single nucleotide variant.
Coding change: c.2849G>A on transcript NM_001252024.2 (MANE Select); coding-DNA position 2849, G replaced by A.
Protein change: p.Arg950Gln; replaces arginine 950 with glutamine.
Molecular consequence: missense variant.
Genome position (GRCh38, 1-based): chr15:31,032,792, C>T on the plus strand (G>A on the coding strand, the complement: TRPM1 is on the minus strand). VCF-style: chr15-31032792-C-T. GRCh37 (hg19) VCF-style: chr15-31324995-C-T.
Other names: c.2900G>A, p.Arg967Gln (NM_001252020.2); c.2783G>A, p.Arg928Gln (NM_002420.6); short protein forms R950Q, R967Q, R928Q.
Identifiers: ClinVar variation 953533 (VCV000953533.13), dbSNP rs766396216, ClinGen allele CA7452058.

ClinVar aggregate classification (germline): Pathogenic/Likely pathogenic. Review status: criteria provided, multiple submitters, no conflicts (2 of 4 stars). 4 submissions from 4 submitters: Pathogenic (1); Likely pathogenic (3). Last evaluated 2025-06-01.

Conditions:
TRPM1-related disorder. Also called: TRPM1-related condition.
Retinal dystrophy. Also called: Inherited retinal dystrophy. Identifiers: Orphanet 71862, MedGen C0854723, MeSH D058499, MONDO:0019118, HP:0000556.

Allele frequency attached by ClinVar (database versions not stated): ExAC 0.00002; gnomAD 0.00003 and 0.00004; gnomAD exomes 0.00003 and 0.00004; TOPMed 0.00005.
gnomAD v4.1: 57 of 1,614,046 alleles (0.0035%); highest among the groups gnomAD compares: African/African-American, 0.008%; no homozygotes.

Submissions (4):

Labcorp Genetics (formerly Invitae), Labcorp
Classification: Pathogenic. Last evaluated: 2025-06-01. Review status: criteria provided, single submitter. Criteria: Invitae Variant Classification Sherloc (09022015). Collection method: clinical testing. Allele origin: germline.
Comment: This sequence change replaces arginine, which is basic and polar, with glutamine, which is neutral and polar, at codon 928 of the TRPM1 protein (p.Arg928Gln). This variant is present in population databases (rs766396216, gnomAD 0.02%). This missense change has been observed in individuals with congenital stationary night blindness (CSNB) (PMID: 24715752, 31427709). It has also been observed to segregate with disease in related individuals. ClinVar contains an entry for this variant (Variation ID: 953533). Invitae Evidence Modeling of protein sequence and biophysical properties (such as structural, functional, and spatial information, amino acid conservation, physicochemical variation, residue mobility, and thermodynamic stability) has been performed for this missense variant. However, the output from this modeling did not meet the statistical confidence thresholds required to predict the impact of this variant on TRPM1 protein function. This variant disrupts the p.Arg928 amino acid residue in TRPM1. Other variant(s) that disrupt this residue have been determined to be pathogenic (PMID: 28341476, 31725702, 32141364, 35119454). This suggests that this residue is clinically significant, and that variants that disrupt this residue are likely to be disease-causing. For these reasons, this variant has been classified as Pathogenic.

Dasa
Classification: Likely pathogenic. Last evaluated: 2025-01-30. Review status: criteria provided, single submitter. Criteria: DASA Assertion Criteria. Collection method: clinical testing. Allele origin: germline.
Comment: NM_001252024.2(TRPM1):c.2849G>A (p.Arg950Gln) is a missense variant that results in the substitution of arginine with glutamine. The affected residue or protein region has prior evidence supporting clinical relevance. Segregation data support an association with disease in the reported family/families (PMID: 24715752). This variant has been recurrently observed in individuals with TRPM1-related disorders (PMID: 24715752; PMID: 31427709). Also, this variant is rare in population databases. Computational evidence supports a deleterious effect. Based on the currently available evidence, this variant is classified as likely pathogenic.

Blueprint Genetics
Classification: Likely pathogenic for TRPM1-related disorders. Last evaluated: 2023-08-15. Review status: criteria provided, single submitter. Criteria: ACMG Guidelines, 2015. Collection method: clinical testing. Allele origin: germline. Affected: yes. Observed: 5 variant alleles.

Institute of Human Genetics, Univ. Regensburg, Univ. Regensburg
Classification: Likely pathogenic for Retinal dystrophy. Last evaluated: 2018-01-01. Review status: criteria provided, single submitter. Criteria: ACMG Guidelines, 2015. Collection method: clinical testing. Allele origin: germline. Affected: yes.

Literature cited by the submitters: PubMed 24715752 (cited by 3 submitters); PubMed 31427709 (cited by 3 submitters); PubMed 28341476 (cited by Labcorp Genetics (formerly Invitae), Labcorp); PubMed 31725702 (cited by Labcorp Genetics (formerly Invitae), Labcorp); PubMed 32141364 (cited by Labcorp Genetics (formerly Invitae), Labcorp); PubMed 35119454 (cited by Labcorp Genetics (formerly Invitae), Labcorp); PubMed 34426522 (cited by Institute of Human Genetics, Univ. Regensburg, Univ. Regensburg).